The following is an entry in ClinVar:

NM_000092.5(COL4A4):c.1459+1G>A

Gene: COL4A4 (collagen type IV alpha 4 chain; minus strand). Cytogenetic location: 2q36.3.
Variant type: single nucleotide variant.
Coding change: c.1459+1G>A on transcript NM_000092.5 (MANE Select); the canonical splice donor site of the intron after coding-DNA position 1459, G replaced by A.
Molecular consequence: splice donor variant.
Genome position (GRCh38, 1-based): chr2:227,089,867, C>T on the plus strand (G>A on the coding strand, the complement: COL4A4 is on the minus strand). VCF-style: chr2-227089867-C-T. GRCh37 (hg19) VCF-style: chr2-227954583-C-T.
Identifiers: ClinVar variation 2444225 (VCV002444225.6), dbSNP rs753818949, ClinGen allele CA2145163.

ClinVar aggregate classification (germline): Pathogenic. Review status: criteria provided, multiple submitters, no conflicts (2 of 4 stars). 2 submissions from 2 submitters: Pathogenic (2). Last evaluated 2025-12-26.

Conditions:
Autosomal recessive Alport syndrome (ATS2). Also called: COL4A4 Alport Syndrome and Thin Basement Membrane Nephropathy; Alport syndrome type 2; COL4A3-Related Nephropathy; ALPORT SYNDROME 2, AUTOSOMAL RECESSIVE. Identifiers: Orphanet 63, Orphanet 88919, MedGen C4746745, MONDO:0008762, OMIM 203780.

Allele frequency attached by ClinVar (database versions not stated): gnomAD exomes below 0.00001; ExAC 0.00001.
gnomAD v4.1: 1 of 1,612,018 alleles (0.000062%); highest among the groups gnomAD compares: East Asian, 0.0022%; no homozygotes.

Submissions (2):

3billion
Classification: Pathogenic for Autosomal recessive Alport syndrome. Last evaluated: 2025-12-26. Review status: criteria provided, single submitter. Criteria: ACMG Guidelines, 2015. Collection method: clinical testing. Allele origin: germline. Affected: yes.
Comment: The variant is observed at an extremely low frequency in the gnomAD v4.1.0 dataset (total allele frequency: <0.001%). Predicted Consequence/Location: Canonical splice site: predicted to alter splicing and result in a loss or disruption of normal protein function. Multiple pathogenic loss-of-function variants are reported downstream of the variant. In silico tools predict the variant to alter splicing and produce an abnormal transcript [SpliceAI: 0.58 (spliceogenicity >=0.2, non-spliceogenicity <0.1)]. The variant has been reported at least twice as pathogenic without evidence for the classification (ClinVar ID: VCV002444225 /PMID: 25575550 /3billion dataset). Therefore, this variant is classified as Pathogenic according to the recommendation of ACMG/AMP guideline.

Labcorp Genetics (formerly Invitae), Labcorp
Classification: Pathogenic. Last evaluated: 2025-03-21. Review status: criteria provided, single submitter. Criteria: Invitae Variant Classification Sherloc (09022015). Collection method: clinical testing. Allele origin: germline.
Comment: This sequence change affects a donor splice site in intron 21 of the COL4A4 gene. It is expected to disrupt RNA splicing. Variants that disrupt the donor or acceptor splice site typically lead to a loss of protein function (PMID: 16199547), and loss-of-function variants in COL4A4 are known to be pathogenic (PMID: 21196518, 24854265, 25307543). This variant is present in population databases (rs753818949, gnomAD 0.006%). Disruption of this splice site has been observed in individual(s) with clinical features of Alport syndrome (PMID: 25575550, 26833262). It has also been observed to segregate with disease in related individuals. ClinVar contains an entry for this variant (Variation ID: 2444225). Algorithms developed to predict the effect of sequence changes on RNA splicing suggest that this variant may disrupt the consensus splice site. For these reasons, this variant has been classified as Pathogenic.

Literature cited by the submitters: PubMed 25575550 (cited by 3billion and Labcorp Genetics (formerly Invitae), Labcorp); PubMed 16199547 (cited by Labcorp Genetics (formerly Invitae), Labcorp); PubMed 21196518 (cited by Labcorp Genetics (formerly Invitae), Labcorp); PubMed 24854265 (cited by Labcorp Genetics (formerly Invitae), Labcorp); PubMed 25307543 (cited by Labcorp Genetics (formerly Invitae), Labcorp); PubMed 26833262 (cited by Labcorp Genetics (formerly Invitae), Labcorp).